The following is an entry in ClinVar:

NM_004380.3(CREBBP):c.1549C>T (p.Gln517Ter)

Gene: CREBBP (CREB binding lysine acetyltransferase; minus strand). Cytogenetic location: 16p13.3.
Variant type: single nucleotide variant.
Coding change: c.1549C>T on transcript NM_004380.3 (MANE Select); coding-DNA position 1549, C replaced by T.
Protein change: p.Gln517Ter; replaces glutamine 517 with a stop codon.
Molecular consequence: nonsense.
Genome position (GRCh38, 1-based): chr16:3,782,708, G>A on the plus strand (C>T on the coding strand, the complement: CREBBP is on the minus strand). VCF-style: chr16-3782708-G-A. GRCh37 (hg19) VCF-style: chr16-3832709-G-A.
Other names: c.1435C>T, p.Gln479Ter (NM_001079846.1); short protein forms Q479*, Q517*.
Identifiers: ClinVar variation 694799 (VCV000694799.8), dbSNP rs1596920501, ClinGen allele CA394557216.
Genomic context (GRCh38, chr16:3,782,708, plus strand): 5'-ACAAGTAAGAACGAAGTTGAGAGTTCCTTCACCTACCCAGGGGGTTGAGAGTCCTCATCT[G>A]CTGGTGGGTTTGAGGCTGTGCTGGTTGCTGGCCAGGAACCTGAGGCTGCAGCTGCGTCTG-3'

ClinVar aggregate classification (germline): Pathogenic. Review status: criteria provided, single submitter (1 of 4 stars). 2 submissions from 2 submitters: Pathogenic (1). 1 of the submissions does not count toward it. Last evaluated 2019-08-13.

Conditions:
Rubinstein-Taybi syndrome due to CREBBP mutations (RSTS1). Also called: BROAD THUMBS AND GREAT TOES, CHARACTERISTIC FACIES, AND IMPAIRED INTELLECTUAL DEVELOPMENT; BROAD THUMB-HALLUX SYNDROME; RUBINSTEIN SYNDROME; RUBINSTEIN-TAYBI SYNDROME 1, INCOMPLETE; CREBBP-Related Rubinstein-Taybi Syndrome; Rubinstein-Taybi syndrome 1. Identifiers: Orphanet 353277, Orphanet 783, MedGen C4551859, MONDO:0008393, OMIM 180849.
Rubinstein-Taybi syndrome (RSTS). Identifiers: Orphanet 783, MedGen C0035934, MONDO:0019188.

Submissions (2):

Labcorp Genetics (formerly Invitae), Labcorp
Classification: Pathogenic for Rubinstein-Taybi syndrome. Last evaluated: 2019-08-13. Review status: criteria provided, single submitter. Criteria: Invitae Variant Classification Sherloc (09022015). Collection method: clinical testing. Allele origin: germline.
Comment: This variant has not been reported in the literature in individuals with CREBBP-related conditions. This sequence change creates a premature translational stop signal (p.Gln517*) in the CREBBP gene. It is expected to result in an absent or disrupted protein product. This variant is not present in population databases (ExAC no frequency). Loss-of-function variants in CREBBP are known to be pathogenic (PMID: 17052327, 18792986). For these reasons, this variant has been classified as Pathogenic.

Wessex Regional Genetics Laboratory, Salisbury District Hospital
Classification: Pathogenic for Rubinstein-Taybi syndrome due to CREBBP mutations. Last evaluated: 2019-11-05. Review status: no assertion criteria provided. Criteria: ACMG Guidelines, 2015. Collection method: clinical testing. Allele origin: de novo. Inheritance: Autosomal dominant inheritance. Affected: yes. Not counted in ClinVar's aggregate classification.

Literature cited by the submitters: PubMed 17052327 (cited by Labcorp Genetics (formerly Invitae), Labcorp); PubMed 18792986 (cited by Labcorp Genetics (formerly Invitae), Labcorp).